The following is an entry in ClinVar:

ClinVar aggregate classification (germline): Pathogenic (1 of 4 stars; one submission).

Conditions:
Familial cancer of breast. Also called: Hereditary breast cancer; BREAST CANCER, FAMILIAL; hereditary breast carcinoma. Identifiers: Orphanet 227535, MedGen C0346153, MONDO:0016419, OMIM 114480. Disease mechanism: loss of function.

Submission:

Myriad Genetics, Inc.
Classification: Pathogenic for Familial cancer of breast. Last evaluated: 2023-01-13. Review status: criteria provided, single submitter. Criteria: Myriad Autosomal Dominant, Autosomal Recessive and X-Linked Classification Criteria (2023). Collection method: clinical testing. Allele origin: unknown.
Comment: This variant is considered pathogenic. This variant creates a termination codon and is predicted to result in premature protein truncation.

NM_000051.4(ATM):c.4622T>A (p.Leu1541Ter)

Gene: ATM (ATM serine/threonine kinase; plus strand). Cytogenetic location: 11q22.3.
Variant type: single nucleotide variant.
Coding change: c.4622T>A on transcript NM_000051.4 (MANE Select); coding-DNA position 4622, T replaced by A.
Protein change: p.Leu1541Ter; replaces leucine 1541 with a stop codon.
Molecular consequence: nonsense.
Genome position (GRCh38, 1-based): chr11:108,293,323, T>A. VCF-style: chr11-108293323-T-A. GRCh37 (hg19) VCF-style: chr11-108164050-T-A.
Other names: c.4622T>A, p.Leu1541Ter (NM_001351834.2); short protein forms L1541*.
Identifiers: ClinVar variation 2431313 (VCV002431313.1), dbSNP rs2135809793, ClinGen allele CA382534583.
Genomic context (GRCh38, chr11:108,293,323, plus strand): 5'-TTTAAAATTATTTCTCTCCTTATAATTTTTTCTTTTTAAATTATATTTAGGTATTGGACT[T>A]GTTGAAATACTTAGTGATAGATAACAAGGATAATGAAAACCTCTATATCACGATTAAGCT-3'